The following is an entry in ClinVar:

ClinVar aggregate classification (germline): Uncertain significance. Review status: criteria provided, multiple submitters, no conflicts (2 of 4 stars). 2 submissions from 2 submitters: Uncertain significance (2). Last evaluated 2025-11-19.

Conditions:
Retinoblastoma (RB1). Also called: RETINOBLASTOMA, SOMATIC. Identifiers: Orphanet 790, MedGen C0035335, MeSH D012175, MONDO:0008380, OMIM 180200, HP:0009919. Disease mechanism: loss of function. Inheritance: Both sporadic and heritable forms are tested..
Hereditary cancer-predisposing syndrome. Also called: Hereditary Cancer Syndrome; Tumor predisposition; Hereditary neoplastic syndrome; Neoplastic Syndromes, Hereditary. Identifiers: Orphanet 140162, MedGen C0027672, MeSH D009386, MONDO:0015356.

Allele frequency attached by ClinVar (database versions not stated): ExAC 0.00001.

Submissions (2):

Labcorp Genetics (formerly Invitae), Labcorp
Classification: Uncertain significance for Retinoblastoma. Last evaluated: 2025-11-19. Review status: criteria provided, single submitter. Criteria: Invitae Variant Classification Sherloc (09022015). Collection method: clinical testing. Allele origin: germline.
Comment: This sequence change replaces alanine, which is neutral and non-polar, with threonine, which is neutral and polar, at codon 603 of the RB1 protein (p.Ala603Thr). This variant is not present in population databases (gnomAD no frequency). This variant has not been reported in the literature in individuals affected with RB1-related conditions. ClinVar contains an entry for this variant (Variation ID: 1409369). Invitae Evidence Modeling of protein sequence and biophysical properties (such as structural, functional, and spatial information, amino acid conservation, physicochemical variation, residue mobility, and thermodynamic stability) indicates that this missense variant is not expected to disrupt RB1 protein function with a negative predictive value of 80%. In summary, the available evidence is currently insufficient to determine the role of this variant in disease. Therefore, it has been classified as a Variant of Uncertain Significance.

Ambry Genetics
Classification: Uncertain significance for Hereditary cancer-predisposing syndrome. Last evaluated: 2025-07-16. Review status: criteria provided, single submitter. Criteria: Ambry Variant Classification Scheme 2023. Collection method: clinical testing. Allele origin: germline.
Comment: The p.A603T variant (also known as c.1807G>A), located in coding exon 18 of the RB1 gene, results from a G to A substitution at nucleotide position 1807. The alanine at codon 603 is replaced by threonine, an amino acid with similar properties. This amino acid position is highly conserved in available vertebrate species. In addition, this alteration is predicted to be deleterious by in silico analysis. Based on the available evidence, the clinical significance of this variant remains unclear.

NM_000321.3(RB1):c.1807G>A (p.Ala603Thr)

Gene: RB1 (RB transcriptional corepressor 1; plus strand). Cytogenetic location: 13q14.2.
Variant type: single nucleotide variant.
Coding change: c.1807G>A on transcript NM_000321.3 (MANE Select); coding-DNA position 1807, G replaced by A.
Protein change: p.Ala603Thr; replaces alanine 603 with threonine.
Molecular consequence: missense variant.
Genome position (GRCh38, 1-based): chr13:48,453,104, G>A. VCF-style: chr13-48453104-G-A. GRCh37 (hg19) VCF-style: chr13-49027240-G-A.
Other names: c.1807G>A (NM_000321.2); short protein forms A603T.
Identifiers: ClinVar variation 1409369 (VCV001409369.7), dbSNP rs777791058, ClinGen allele CA032614.